The following is an entry in ClinVar:

NM_001127222.2(CACNA1A):c.2941G>A (p.Glu981Lys)

Gene: CACNA1A (calcium voltage-gated channel subunit alpha1 A; minus strand). Cytogenetic location: 19p13.13.
Variant type: single nucleotide variant.
Coding change: c.2941G>A on transcript NM_001127222.2 (MANE Select); coding-DNA position 2941, G replaced by A.
Protein change: p.Glu981Lys; replaces glutamic acid 981 with lysine.
Molecular consequence: missense variant.
Genome position (GRCh38, 1-based): chr19:13,298,692, C>T on the plus strand (G>A on the coding strand, the complement: CACNA1A is on the minus strand). VCF-style: chr19-13298692-C-T. GRCh37 (hg19) VCF-style: chr19-13409506-C-T.
Other names: c.2953G>A, p.Glu985Lys (NM_000068.4, NM_023035.3); c.2944G>A, p.Glu982Lys (NM_001127221.2, NM_001174080.2); short protein forms E982K, E981K, E985K.
Identifiers: ClinVar variation 2953642 (VCV002953642.4), dbSNP rs2512905650, ClinGen allele CA404342402.
Genomic context (GRCh38, chr19:13,298,692, plus strand): 5'-GCTCGCCCCCGTCGGGGCCCTCGCCCTCGCCCTCGCCGCCCCGGGCCGGCCGGCTGCCCT[C>T]GCGGTGCCGCGCCCTCCGCTCCGCCTTGTCCTCCGGACCCTCCTCCCCGGGCCTGCGGTG-3'
Protein context (NP_001120694.1, residues 971-991): DKAERRARHR[Glu981Lys]GSRPARGGEG

ClinVar aggregate classification (germline): Uncertain significance. Review status: criteria provided, multiple submitters, no conflicts (2 of 4 stars). 2 submissions from 2 submitters: Uncertain significance (2). Last evaluated 2025-01-24.

Conditions:
Episodic ataxia type 2 (EA2). Also called: CEREBELLAR ATAXIA, PAROXYSMAL, ACETAZOLAMIDE-RESPONSIVE; CEREBELLOPATHY, HEREDITARY PAROXYSMAL; EPISODIC ATAXIA, NYSTAGMUS-ASSOCIATED; ACETAZOLAMIDE-RESPONSIVE HEREDITARY PAROXYSMAL CEREBELLAR ATAXIA; ATAXIA, EPISODIC, WITH NYSTAGMUS; ATAXIA, FAMILIAL PAROXYSMAL. Identifiers: Orphanet 97, MedGen C1720416, MONDO:0007163, OMIM 108500.
Developmental and epileptic encephalopathy, 42 (DEE42A). Also called: Epileptic encephalopathy, early infantile, 42; DEVELOPMENTAL AND EPILEPTIC ENCEPHALOPATHY 42A; EPILEPTIC ENCEPHALOPATHY, EARLY INFANTILE, 42A. Identifiers: MedGen C4310716, MONDO:0014917, OMIM 617106.

Submissions (2):

GeneDx
Classification: Uncertain significance. Last evaluated: 2025-01-24. Review status: criteria provided, single submitter. Criteria: GeneDx Variant Classification Process June 2021. Collection method: clinical testing. Allele origin: germline. Affected: yes.
Comment: Not observed at significant frequency in large population cohorts (gnomAD); In silico analysis indicates that this missense variant does not alter protein structure/function; Has not been previously published as pathogenic or benign to our knowledge

Labcorp Genetics (formerly Invitae), Labcorp
Classification: Uncertain significance for Developmental and epileptic encephalopathy, 42; Episodic ataxia type 2. Last evaluated: 2023-11-07. Review status: criteria provided, single submitter. Criteria: Invitae Variant Classification Sherloc (09022015). Collection method: clinical testing. Allele origin: germline.
Comment: This sequence change replaces glutamic acid, which is acidic and polar, with lysine, which is basic and polar, at codon 982 of the CACNA1A protein (p.Glu982Lys). This variant is not present in population databases (gnomAD no frequency). This variant has not been reported in the literature in individuals affected with CACNA1A-related conditions. Advanced modeling of protein sequence and biophysical properties (such as structural, functional, and spatial information, amino acid conservation, physicochemical variation, residue mobility, and thermodynamic stability) performed at Invitae indicates that this missense variant is not expected to disrupt CACNA1A protein function with a negative predictive value of 95%. In summary, the available evidence is currently insufficient to determine the role of this variant in disease. Therefore, it has been classified as a Variant of Uncertain Significance.